The following is an entry in ClinVar:

ClinVar aggregate classification (germline): Uncertain significance (1 of 4 stars; one submission).

Submission:

Women's Health and Genetics/Laboratory Corporation of America, LabCorp
Classification: Uncertain significance. Last evaluated: 2021-12-07. Review status: criteria provided, single submitter. Criteria: LabCorp Variant Classification Summary - May 2015. Collection method: clinical testing. Allele origin: germline.
Comment: Variant summary: POMT2 c.2201delA (p.Asp734AlafsX9) in the last exon (exon 21) results in a premature termination codon, predicted to cause a truncation of the encoded protein. Truncations downstream of this position have not been classified as pathogenic by our laboratory and not reported in the HGMD database. The variant was absent in 251420 control chromosomes. The available data on variant occurrences in the general population are insufficient to allow any conclusion about variant significance. To our knowledge, no occurrence of c.2201delA in individuals affected with Limb-Girdle Muscular Dystrophy, Autosomal Recessive and no experimental evidence demonstrating its impact on protein function have been reported. No clinical diagnostic laboratories have submitted clinical-significance assessments for this variant to ClinVar after 2014. Based on the evidence outlined above, the variant was classified as uncertain significance.

NM_013382.7(POMT2):c.2201del (p.Asp734fs)

Gene: POMT2 (protein O-mannosyltransferase 2; minus strand). Cytogenetic location: 14q24.3.
Variant type: Deletion.
Coding change: c.2201del on transcript NM_013382.7 (MANE Select); coding-DNA position 2201, one base deleted (A; older notation c.2201delA).
Protein change: p.Asp734fs; shifts the reading frame from aspartic acid 734.
Molecular consequence: frameshift variant.
Genome position (GRCh38, 1-based): chr14:77,277,428, T deleted on the plus strand (A on the coding strand, the reverse complement: POMT2 is on the minus strand). VCF-style (leftmost placement, unchanged base first): chr14-77277427-GT-G. GRCh37 (hg19) VCF-style: chr14-77743770-GT-G.
Other names: short protein forms D734fs.
Identifiers: ClinVar variation 1331370 (VCV001331370.1), dbSNP rs2140156993, ClinGen allele CA2573053946.